The following is an entry in ClinVar:

NM_000448.3(RAG1):c.1096G>T (p.Glu366Ter)

Gene: RAG1 (recombination activating 1; plus strand). Cytogenetic location: 11p12.
Variant type: single nucleotide variant.
Coding change: c.1096G>T on transcript NM_000448.3 (MANE Select); coding-DNA position 1096, G replaced by T.
Protein change: p.Glu366Ter; replaces glutamic acid 366 with a stop codon.
Molecular consequence: nonsense.
Genome position (GRCh38, 1-based): chr11:36,574,400, G>T. VCF-style: chr11-36574400-G-T. GRCh37 (hg19) VCF-style: chr11-36595950-G-T.
Other names: c.1096G>T, p.Glu366Ter (NM_001377277.1, NM_001377278.1, NM_001377279.1 and 1 more transcripts); short protein forms E366*.
Identifiers: ClinVar variation 2954107 (VCV002954107.3), dbSNP rs2494754517, ClinGen allele CA380151300.

ClinVar aggregate classification (germline): Pathogenic (1 of 4 stars; one submission).

Conditions:
Combined immunodeficiency with skin granulomas. Identifiers: Orphanet 157949, MedGen C2673536, MONDO:0009306, OMIM 233650.
Severe combined immunodeficiency, autosomal recessive, T cell-negative, B cell-negative, NK cell-positive. Also called: SCID, T CELL-NEGATIVE, B CELL-NEGATIVE, NK CELL-POSITIVE; Severe combined immunodeficiency due to complete RAG1/2 deficiency; SCID, AR, T-cell negative, B-cell negative, NK cell-positive. Identifiers: Orphanet 331206, MedGen C1832322, MONDO:0011086, OMIM 601457.

Submission:

Labcorp Genetics (formerly Invitae), Labcorp
Classification: Pathogenic for Combined immunodeficiency with skin granulomas; Severe combined immunodeficiency, autosomal recessive, T cell-negative, B cell-negative, NK cell-positive. Last evaluated: 2023-11-29. Review status: criteria provided, single submitter. Criteria: Invitae Variant Classification Sherloc (09022015). Collection method: clinical testing. Allele origin: germline.
Comment: This sequence change creates a premature translational stop signal (p.Glu366*) in the RAG1 gene. While this is not anticipated to result in nonsense mediated decay, it is expected to disrupt the last 678 amino acid(s) of the RAG1 protein. This variant is not present in population databases (gnomAD no frequency). This variant has not been reported in the literature in individuals affected with RAG1-related conditions. This variant disrupts a region of the RAG1 protein in which other variant(s) (p.Trp959*) have been determined to be pathogenic (PMID: 11133745, 24290284, 24406074). This suggests that this is a clinically significant region of the protein, and that variants that disrupt it are likely to be disease-causing. For these reasons, this variant has been classified as Pathogenic.

Literature cited by the submitters: PubMed 11133745; PubMed 24290284; PubMed 24406074.